The following is an entry in ClinVar:

ClinVar aggregate classification (germline): Conflicting classifications of pathogenicity. Review status: criteria provided, conflicting classifications (1 of 4 stars). 6 submissions from 6 submitters: Uncertain significance (4); Likely benign (1). 1 of the submissions does not count toward it. Last evaluated 2026-06-24.

Conditions:
GJB6-related disorder. Also called: GJB6-related disorders.
Autosomal recessive nonsyndromic hearing loss 1A (DFNB1A). Also called: GJB6-Related DFNB 1 Nonsyndromic Hearing Loss and Deafness; Deafness, autosomal recessive 1A; Connexin 26 deafness; Deafness nonsyndromic, Connexin 26 linked; Nonsyndromic Hearing Loss and Deafness, DFNB1; GJB2-Related Autosomal Recessive Nonsyndromic Hearing Loss. Identifiers: Orphanet 90636, MedGen C2673759, MONDO:0009076, OMIM 220290.
Autosomal recessive nonsyndromic hearing loss 1B. Also called: DEAFNESS, AUTOSOMAL RECESSIVE 1B. Identifiers: Orphanet 90636, MedGen C2675235, MONDO:0012977, OMIM 612645.
Autosomal dominant nonsyndromic hearing loss 3B. Identifiers: Orphanet 90635, MedGen C2675237, MONDO:0012975, OMIM 612643.
Hidrotic ectodermal dysplasia syndrome (GJB6). Also called: Ectodermal dysplasia 2, hidrotic; Autosomal dominant hidrotic ectodermal dysplasia; Clouston syndrome; Clouston's hidrotic ectodermal dysplasia; CLOUSTON HIDROTIC ECTODERMAL DYSPLASIA; Hidrotic ectodermal dysplasia. Identifiers: Orphanet 189, MedGen C0162361, MONDO:0007510, OMIM 129500.

Submissions (6):

PreventionGenetics, part of Exact Sciences
Classification: Uncertain significance for GJB6-related condition. Last evaluated: 2026-06-24. Review status: criteria provided, single submitter. Criteria: ACMG Guidelines, 2015. Collection method: clinical testing. Allele origin: germline.
Comment: The GJB6 c.689dupA variant is predicted to result in a frameshift and premature protein termination (p.Asn230Lysfs*11). This variant, also described as c.682insA, c.682-683insA, and p.N230fs, has been reported in the heterozygous state in a newborn with hearing loss who also had a history of neonatal meningitis (Beck et al. 2015. PubMed ID: 25214170). This variant is reported in 0.056% of alleles in individuals of European (non-Finnish) descent in gnomAD. Although we suspect that this variant may be benign, the clinical significance of this variant is uncertain at this time due to the absence of conclusive functional and genetic evidence.

Labcorp Genetics (formerly Invitae), Labcorp
Classification: Uncertain significance for Autosomal dominant nonsyndromic hearing loss 3B; Hidrotic ectodermal dysplasia syndrome; Autosomal recessive nonsyndromic hearing loss 1B; Autosomal recessive nonsyndromic hearing loss 1A. Last evaluated: 2025-12-03. Review status: criteria provided, single submitter. Criteria: Invitae Variant Classification Sherloc (09022015). Collection method: clinical testing. Allele origin: germline.
Comment: This sequence change creates a premature translational stop signal (p.Asn230Lysfs*11) in the GJB6 gene. While this is not anticipated to result in nonsense mediated decay, it is expected to disrupt the last 32 amino acid(s) of the GJB6 protein. This variant is present in population databases (rs398124237, gnomAD 0.06%), and has an allele count higher than expected for a pathogenic variant. This premature translational stop signal has been observed in individual(s) with deafness (PMID: 25214170). This variant is also known as c.682insA, c.682- 683insA. ClinVar contains an entry for this variant (Variation ID: 95435). In summary, the available evidence is currently insufficient to determine the role of this variant in disease. Therefore, it has been classified as a Variant of Uncertain Significance.

Blueprint Genetics
Classification: Uncertain significance. Last evaluated: 2024-10-09. Review status: criteria provided, single submitter. Criteria: ACMG Guidelines, 2015. Collection method: clinical testing. Allele origin: germline.

GeneDx
Classification: Likely benign. Last evaluated: 2022-02-04. Review status: criteria provided, single submitter. Criteria: GeneDx Variant Classification Process June 2021. Collection method: clinical testing. Allele origin: germline. Affected: yes.
Comment: Observed with no other GJB6 variant in a patient with presumed autosomal recessive hearing loss, and in a patient with hearing loss attributed to neonatal meningitis in published literature (Beck et al., 2015); Frameshift variant predicted to result in protein truncation as the last 32 amino acids are lost and replaced with 10 incorrect amino acids, although loss-of-function variants have not been reported downstream of this position in the protein; This variant is associated with the following publications: (PMID: 25621899, 34426522, 25214170)

Laboratory for Molecular Medicine, Mass General Brigham Personalized Medicine
Classification: Uncertain significance. Last evaluated: 2014-05-06. Review status: criteria provided, single submitter. Criteria: LMM Criteria. Collection method: clinical testing. Allele origin: germline. Observed: 2 variant alleles.
Comment: The Asn230fs variant in GJB6 has been identified in at least two other individua ls, one without clinical information and one with hearing loss (ClinVar and LMM unpublished data, respectively). In addition, this variant has been identified i n 0.1% (8/8254) of European American chromosomes by the NHLBI Exome sequencing p roject. Although this variant has been seen in the general population, its frequency is not high enough to rule out a pathog enic role. This variant is predicted to cause a frameshift, which alters the pro tein?s amino acid sequence beginning at position 230 and leads to a premature te rmination codon 11 amino acids downstream. This alteration may lead to a truncat ed and altered protein. However, the role of GJB6 variants in nonsyndromic heari ng loss is currently unknown. In summary, additional information is needed to de termine the clinical significance of this variant.

Eurofins Ntd Llc (ga)
Classification: Pathogenic. Last evaluated: 2013-05-20. Review status: no assertion criteria provided. Collection method: clinical testing. Allele origin: germline. Observed: 2 variant alleles, 2 heterozygotes. Not counted in ClinVar's aggregate classification.
Comment: Frameshift mutation is of a type predicted to cause disease.

Literature cited by the submitters: PubMed 25214170 (cited by Labcorp Genetics (formerly Invitae), Labcorp); PubMed 19723508 (cited by Laboratory for Molecular Medicine, Mass General Brigham Personalized Medicine); PubMed 23757202 (cited by Eurofins Ntd Llc (ga)).

NM_001110219.3(GJB6):c.689dup (p.Asn230fs)

Gene: GJB6 (gap junction protein beta 6; minus strand). Cytogenetic location: 13q12.11.
Variant type: Duplication.
Coding change: c.689dup on transcript NM_001110219.3 (MANE Select); coding-DNA position 689, one base duplicated (A; older notation c.689dupA).
Protein change: p.Asn230fs; shifts the reading frame from asparagine 230.
Molecular consequence: frameshift variant.
Genome position (GRCh38, 1-based): chr13:20,222,792, T duplicated on the plus strand (A on the coding strand, the reverse complement: GJB6 is on the minus strand); the first of 7 consecutive T bases (chr13:20,222,792-20,222,798); duplicating any one gives the same sequence. VCF-style (leftmost placement, unchanged base first): chr13-20222791-A-AT. GRCh37 (hg19) VCF-style: chr13-20796930-A-AT.
Other names: p.Asn230LysfsX11; c.689dup, p.Asn230fs (NM_001110220.3, NM_001110221.3, NM_001370090.1 and 3 more transcripts); c.689dupA (NM_006783.4); short protein forms N230fs.
Identifiers: ClinVar variation 95435 (VCV000095435.19), dbSNP rs398124237, ClinGen allele CA183319.